The following is an entry in ClinVar:

NM_005573.4(LMNB1):c.13A>G (p.Thr5Ala)

Gene: LMNB1 (lamin B1; plus strand). Cytogenetic location: 5q23.2.
Variant type: single nucleotide variant.
Coding change: c.13A>G on transcript NM_005573.4 (MANE Select); coding-DNA position 13, A replaced by G.
Protein change: p.Thr5Ala; replaces threonine 5 with alanine.
Molecular consequence: missense variant. On other transcripts: non-coding transcript variant (1), intron variant (1).
Genome position (GRCh38, 1-based): chr5:126,777,521, A>G. VCF-style: chr5-126777521-A-G. GRCh37 (hg19) VCF-style: chr5-126113213-A-G.
Other names: c.-272+277A>G (NM_001198557.2); short protein forms T5A.
Identifiers: ClinVar variation 1188065 (VCV001188065.2), dbSNP rs2112911602, ClinGen allele CA360724028.

ClinVar aggregate classification (germline): Uncertain significance (1 of 4 stars; one submission).

Submission:

GeneDx
Classification: Uncertain significance. Last evaluated: 2021-05-21. Review status: criteria provided, single submitter. Criteria: GeneDx Variant Classification Process June 2021. Collection method: clinical testing. Allele origin: germline. Affected: yes.
Comment: Not observed in large population cohorts (Lek et al., 2016); In silico analysis supports that this missense variant does not alter protein structure/function; Has not been previously published as pathogenic or benign to our knowledge